The following is an entry in ClinVar:

NM_020401.4(NUP107):c.305T>A (p.Val102Asp)

Gene: NUP107 (nucleoporin 107; plus strand). Cytogenetic location: 12q15.
Variant type: single nucleotide variant.
Coding change: c.305T>A on transcript NM_020401.4 (MANE Select); coding-DNA position 305, T replaced by A.
Protein change: p.Val102Asp; replaces valine 102 with aspartic acid.
Molecular consequence: missense variant.
Genome position (GRCh38, 1-based): chr12:68,691,969, T>A. VCF-style: chr12-68691969-T-A. GRCh37 (hg19) VCF-style: chr12-69085749-T-A.
Other names: c.218T>A, p.Val73Asp (NM_001330192.2); short protein forms V102D, V73D.
Identifiers: ClinVar variation 1693068 (VCV001693068.8), dbSNP rs191002653, ClinGen allele CA6677386.

ClinVar aggregate classification (germline): Uncertain significance. Review status: criteria provided, multiple submitters, no conflicts (2 of 4 stars). 3 submissions from 3 submitters: Uncertain significance (3). Last evaluated 2025-08-07.

Conditions:
Inborn genetic diseases. Identifiers: MedGen C0950123, MeSH D030342.

Allele frequency attached by ClinVar (database versions not stated): gnomAD exomes 0.00003 and 0.00004; ExAC 0.00006; TOPMed 0.00021; 1000 Genomes Project 0.00040; 1000 Genomes Project 30x 0.00047.
gnomAD v4.1: 64 of 1,591,086 alleles (0.004%); highest among the groups gnomAD compares: Middle Eastern, 0.067%; no homozygotes.

Submissions (3):

Ambry Genetics
Classification: Uncertain significance for Inborn genetic diseases. Last evaluated: 2025-08-07. Review status: criteria provided, single submitter. Criteria: Ambry Variant Classification Scheme 2023. Collection method: clinical testing. Allele origin: germline.

Labcorp Genetics (formerly Invitae), Labcorp
Classification: Uncertain significance. Last evaluated: 2023-12-21. Review status: criteria provided, single submitter. Criteria: Invitae Variant Classification Sherloc (09022015). Collection method: clinical testing. Allele origin: germline.
Comment: This sequence change replaces valine, which is neutral and non-polar, with aspartic acid, which is acidic and polar, at codon 102 of the NUP107 protein (p.Val102Asp). This variant is present in population databases (rs191002653, gnomAD 0.007%). This variant has not been reported in the literature in individuals affected with NUP107-related conditions. ClinVar contains an entry for this variant (Variation ID: 1693068). An algorithm developed to predict the effect of missense changes on protein structure and function (PolyPhen-2) suggests that this variant is likely to be tolerated. In summary, the available evidence is currently insufficient to determine the role of this variant in disease. Therefore, it has been classified as a Variant of Uncertain Significance.

GeneDx
Classification: Uncertain significance. Last evaluated: 2021-12-22. Review status: criteria provided, single submitter. Criteria: GeneDx Variant Classification Process June 2021. Collection method: clinical testing. Allele origin: germline. Affected: yes.
Comment: In silico analysis supports that this missense variant does not alter protein structure/function; Has not been previously published as pathogenic or benign to our knowledge